The following is an entry in ClinVar:

ClinVar aggregate classification (germline): Uncertain significance. Review status: criteria provided, multiple submitters, no conflicts (2 of 4 stars). 2 submissions from 2 submitters: Uncertain significance (2). Last evaluated 2023-09-25.

Conditions:
Bloom syndrome (BLM). Also called: Bloom-Torre-Machacek syndrome. Identifiers: Orphanet 125, MedGen C0005859, MONDO:0008876, OMIM 210900.
Hereditary cancer-predisposing syndrome. Also called: Neoplastic Syndromes, Hereditary; Tumor predisposition; Hereditary neoplastic syndrome; Hereditary Cancer Syndrome. Identifiers: Orphanet 140162, MedGen C0027672, MeSH D009386, MONDO:0015356.

Allele frequency attached by ClinVar (database versions not stated): gnomAD exomes below 0.00001.
gnomAD v4.1: 1 of 1,605,950 alleles (0.000062%); highest among the groups gnomAD compares: Non-Finnish European, 0.000085%; no homozygotes.

Submissions (2):

Ambry Genetics
Classification: Uncertain significance for Hereditary cancer-predisposing syndrome. Last evaluated: 2023-09-25. Review status: criteria provided, single submitter. Criteria: Ambry Variant Classification Scheme 2023. Collection method: clinical testing. Allele origin: germline.
Comment: The p.K1056R variant (also known as c.3167A>G), located in coding exon 15 of the BLM gene, results from an A to G substitution at nucleotide position 3167. The lysine at codon 1056 is replaced by arginine, an amino acid with highly similar properties. This amino acid position is conserved. In addition, this alteration is predicted to be tolerated by in silico analysis. Since supporting evidence is limited at this time, the clinical significance of this alteration remains unclear.

Labcorp Genetics (formerly Invitae), Labcorp
Classification: Uncertain significance for Bloom syndrome. Last evaluated: 2022-10-13. Review status: criteria provided, single submitter. Criteria: Invitae Variant Classification Sherloc (09022015). Collection method: clinical testing. Allele origin: germline.
Comment: Advanced modeling of protein sequence and biophysical properties (such as structural, functional, and spatial information, amino acid conservation, physicochemical variation, residue mobility, and thermodynamic stability) performed at Invitae indicates that this missense variant is not expected to disrupt BLM protein function. In summary, the available evidence is currently insufficient to determine the role of this variant in disease. Therefore, it has been classified as a Variant of Uncertain Significance. Algorithms developed to predict the effect of sequence changes on RNA splicing suggest that this variant may disrupt the consensus splice site. ClinVar contains an entry for this variant (Variation ID: 578451). This variant has not been reported in the literature in individuals affected with BLM-related conditions. This variant is present in population databases (no rsID available, gnomAD 0.0009%). This sequence change replaces lysine, which is basic and polar, with arginine, which is basic and polar, at codon 1056 of the BLM protein (p.Lys1056Arg).

NM_000057.4(BLM):c.3167A>G (p.Lys1056Arg)

Gene: BLM (BLM RecQ like helicase; plus strand). Cytogenetic location: 15q26.1.
Variant type: single nucleotide variant.
Coding change: c.3167A>G on transcript NM_000057.4 (MANE Select); coding-DNA position 3167, A replaced by G.
Protein change: p.Lys1056Arg; replaces lysine 1056 with arginine.
Molecular consequence: missense variant.
Genome position (GRCh38, 1-based): chr15:90,794,314, A>G. VCF-style: chr15-90794314-A-G. GRCh37 (hg19) VCF-style: chr15-91337544-A-G.
Other names: c.3167A>G, p.Lys1056Arg (NM_001287246.2, NM_001287247.2); c.2042A>G, p.Lys681Arg (NM_001287248.2); c.3167A>G (NM_000057.2); short protein forms K1056R, K681R.
Identifiers: ClinVar variation 578451 (VCV000578451.10), dbSNP rs1465842377, ClinGen allele CA393846985.